The following is an entry in ClinVar:

NM_000038.6(APC):c.5959A>T (p.Ile1987Phe)

Gene: APC (APC regulator of Wnt signaling pathway; plus strand). Cytogenetic location: 5q22.2.
Variant type: single nucleotide variant.
Coding change: c.5959A>T on transcript NM_000038.6 (MANE Select); coding-DNA position 5959, A replaced by T.
Protein change: p.Ile1987Phe; replaces isoleucine 1987 with phenylalanine.
Molecular consequence: missense variant. On other transcripts: non-coding transcript variant (2).
Genome position (GRCh38, 1-based): chr5:112,841,553, A>T. VCF-style: chr5-112841553-A-T. GRCh37 (hg19) VCF-style: chr5-112177250-A-T.
Other names: c.5959A>T, p.Ile1987Phe (NM_001127510.3, NM_001354895.2, NM_001407450.1); c.5905A>T, p.Ile1969Phe (NM_001127511.3); c.6013A>T, p.Ile2005Phe (NM_001354896.2, NM_001407447.1, NM_001407448.1 and 1 more transcripts); c.5989A>T, p.Ile1997Phe (NM_001354897.2); c.5884A>T, p.Ile1962Phe (NM_001354898.2); c.5875A>T, p.Ile1959Phe (NM_001354899.2); c.5836A>T, p.Ile1946Phe (NM_001354900.2); c.5782A>T, p.Ile1928Phe (NM_001354901.2, NM_001407453.1); and 11 more; short protein forms I1858F, I1946F, I1969F, I2005F, I1704F, I1861F, I1886F, I1959F.
Identifiers: ClinVar variation 2693389 (VCV002693389.3), dbSNP rs1269798265, ClinGen allele CA16034377.

ClinVar aggregate classification (germline): Uncertain significance (1 of 4 stars; one submission).

Conditions:
Familial adenomatous polyposis 1 (FAP1). Also called: FAMILIAL ADENOMATOUS POLYPOSIS 1, ATTENUATED; POLYPOSIS, ADENOMATOUS INTESTINAL. Identifiers: MedGen C2713442, MONDO:0021056, OMIM 175100. Disease mechanism: loss of function.

Submission:

Labcorp Genetics (formerly Invitae), Labcorp
Classification: Uncertain significance for Familial adenomatous polyposis 1. Last evaluated: 2023-11-05. Review status: criteria provided, single submitter. Criteria: Invitae Variant Classification Sherloc (09022015). Collection method: clinical testing. Allele origin: germline.
Comment: This sequence change replaces isoleucine, which is neutral and non-polar, with phenylalanine, which is neutral and non-polar, at codon 1987 of the APC protein (p.Ile1987Phe). This variant is not present in population databases (gnomAD no frequency). This variant has not been reported in the literature in individuals affected with APC-related conditions. Advanced modeling of protein sequence and biophysical properties (such as structural, functional, and spatial information, amino acid conservation, physicochemical variation, residue mobility, and thermodynamic stability) performed at Invitae indicates that this missense variant is not expected to disrupt APC protein function with a negative predictive value of 95%. In summary, the available evidence is currently insufficient to determine the role of this variant in disease. Therefore, it has been classified as a Variant of Uncertain Significance.